The following is an entry in ClinVar:

NM_173495.3(PTCHD1):c.1658G>A (p.Ser553Asn)

Gene: PTCHD1 (patched domain containing 1; plus strand). Cytogenetic location: Xp22.11.
Variant type: single nucleotide variant.
Coding change: c.1658G>A on transcript NM_173495.3 (MANE Select); coding-DNA position 1658, G replaced by A.
Protein change: p.Ser553Asn; replaces serine 553 with asparagine.
Molecular consequence: missense variant.
Genome position (GRCh38, 1-based): chrX:23,393,176, G>A. VCF-style: chrX-23393176-G-A. GRCh37 (hg19) VCF-style: chrX-23411293-G-A.
Other names: short protein forms S553N.
Identifiers: ClinVar variation 3370114 (VCV003370114.1).

ClinVar aggregate classification (germline): Uncertain significance (1 of 4 stars; one submission).

Submission:

GeneDx
Classification: Uncertain significance. Last evaluated: 2024-01-09. Review status: criteria provided, single submitter. Criteria: GeneDx Variant Classification Process June 2021. Collection method: clinical testing. Allele origin: germline. Affected: yes.
Comment: Not observed at significant frequency in large population cohorts (gnomAD); In silico analysis supports that this missense variant does not alter protein structure/function; Has not been previously published as pathogenic or benign to our knowledge